The following is an entry in ClinVar:

ClinVar aggregate classification (germline): Uncertain significance (1 of 4 stars; one submission).

Conditions:
Hereditary cancer-predisposing syndrome. Also called: Neoplastic Syndromes, Hereditary; Tumor predisposition; Hereditary neoplastic syndrome; Hereditary Cancer Syndrome. Identifiers: Orphanet 140162, MedGen C0027672, MeSH D009386, MONDO:0015356.
Cardiovascular phenotype. Identifiers: MedGen CN230736.

Submission:

Ambry Genetics
Classification: Uncertain significance for Cardiovascular phenotype; Hereditary cancer-predisposing syndrome. Last evaluated: 2019-07-01. Review status: criteria provided, single submitter. Criteria: Ambry Variant Classification Scheme 2023. Collection method: clinical testing. Allele origin: germline.
Comment: The p.L2657I variant (also known as c.7969T>A), located in coding exon 54 of the NF1 gene, results from a T to A substitution at nucleotide position 7969. The leucine at codon 2657 is replaced by isoleucine, an amino acid with highly similar properties. This amino acid position is highly conserved in available vertebrate species. In addition, the in silico prediction for this alteration is inconclusive. Since supporting evidence is limited at this time, the clinical significance of this alteration remains unclear.

NM_001042492.3(NF1):c.8032T>A (p.Leu2678Ile)

Gene: NF1 (neurofibromin 1; plus strand). Cytogenetic location: 17q11.2.
Variant type: single nucleotide variant.
Coding change: c.8032T>A on transcript NM_001042492.3 (MANE Select); coding-DNA position 8032, T replaced by A.
Protein change: p.Leu2678Ile; replaces leucine 2678 with isoleucine.
Molecular consequence: missense variant.
Genome position (GRCh38, 1-based): chr17:31,358,541, T>A. VCF-style: chr17-31358541-T-A. GRCh37 (hg19) VCF-style: chr17-29685559-T-A.
Other names: c.7969T>A, p.Leu2657Ile (NM_000267.4); short protein forms L2657I, L2678I.
Identifiers: ClinVar variation 827365 (VCV000827365.4), dbSNP rs1597868148, ClinGen allele CA399203720.